The following is an entry in ClinVar:

ClinVar aggregate classification (germline): Pathogenic (1 of 4 stars; one submission).

Submission:

GeneDx
Classification: Pathogenic. Last evaluated: 2018-02-01. Review status: criteria provided, single submitter. Criteria: GeneDx Variant Classification (06012015). Collection method: clinical testing. Allele origin: germline. Affected: yes.
Comment: The c.3652_3654delGCT variant in the CLTC gene has not been published as a pathogenic variant, nor has it been reported as a benign variant to our knowledge. The c.3652_3654delGCT variant results in an in-frame deletion of a single Alanine residue, denoted p.Ala1218del. In-silico analyses, including protein predictors and evolutionary conservation, support a deleterious effect. Furthermore, this variant is not observed in large population cohorts (Lek et al., 2016). Therefore, we interpret c.3652_3654delGCT as a pathogenic variant.

NM_004859.4(CLTC):c.3637GCT[1] (p.Ala1214del)

Gene: CLTC (clathrin heavy chain; plus strand). Cytogenetic location: 17q23.1.
Variant type: Microsatellite.
Coding change: c.3637GCT[1] on transcript NM_004859.4 (MANE Select); one copy of the 3-base unit GCT starting at c.3637; the reference has two copies in a row; one copy, 3 bases deleted.
Protein change: p.Ala1214del; deletes alanine 1214.
Molecular consequence: inframe deletion.
Genome position (GRCh38, 1-based): chr17:59,682,668-59,682,670, GCT deleted; deleting any 3 consecutive bases within chr17:59,682,664-59,682,670 gives the same sequence; the position shown is the placement nearest the transcript's 3' end. VCF-style (leftmost placement, unchanged base first): chr17-59682663-ATGC-A. GRCh37 (hg19) VCF-style: chr17-57760024-ATGC-A.
Other names: c.3652_3654delGCT (NM_001288653.1); c.3649GCT[1], p.Ala1218del (NM_001288653.2); short protein forms A1218del, A1214del.
Identifiers: ClinVar variation 504135 (VCV000504135.2), dbSNP rs1555607332, ClinGen allele CA658798930.